The following is an entry in ClinVar:

ClinVar aggregate classification (germline): Uncertain significance (1 of 4 stars; one submission).

Conditions:
Cystic fibrosis (CF). Also called: MUCOVISCIDOSIS. Identifiers: Orphanet 586, MedGen C0010674, MONDO:0009061, OMIM 219700. Disease mechanism: loss of function.

Allele frequency attached by ClinVar (database versions not stated): TOPMed 0.00001; gnomAD 0.00001.
gnomAD v4.1: 3 of 1,609,414 alleles (0.00019%); highest among the groups gnomAD compares: Non-Finnish European, 0.00017%; no homozygotes.

Submission:

Ambry Genetics
Classification: Uncertain significance for Cystic fibrosis. Last evaluated: 2023-02-27. Review status: criteria provided, single submitter. Criteria: Ambry Variant Classification Scheme 2023. Collection method: clinical testing. Allele origin: germline.
Comment: The p.E535K variant (also known as c.1603G>A), located in coding exon 12 of the CFTR gene, results from a G to A substitution at nucleotide position 1603. The glutamic acid at codon 535 is replaced by lysine, an amino acid with similar properties. This amino acid position is well conserved in available vertebrate species. In addition, this alteration is predicted to be deleterious by in silico analysis. Since supporting evidence is limited at this time, the clinical significance of this alteration remains unclear.

NM_000492.4(CFTR):c.1603G>A (p.Glu535Lys)

Genes: CFTR (CF transmembrane conductance regulator; plus strand), LOC111674475 (CFTR intron 11 enhancer; plus strand). Cytogenetic location: 7q31.2.
Variant type: single nucleotide variant.
Coding change: c.1603G>A on transcript NM_000492.4 (MANE Select); coding-DNA position 1603, G replaced by A.
Protein change: p.Glu535Lys; replaces glutamic acid 535 with lysine.
Molecular consequence: missense variant.
Genome position (GRCh38, 1-based): chr7:117,587,757, G>A. VCF-style: chr7-117587757-G-A. GRCh37 (hg19) VCF-style: chr7-117227811-G-A.
Other names: short protein forms E535K.
Identifiers: ClinVar variation 1776226 (VCV001776226.3), dbSNP rs1269344369, ClinGen allele CA368975888.